The following is an entry in ClinVar:

ClinVar aggregate classification (germline): Uncertain significance. Review status: criteria provided, multiple submitters, no conflicts (2 of 4 stars). 3 submissions from 3 submitters: Uncertain significance (3). Last evaluated 2023-02-09.

Conditions:
Cardiovascular phenotype. Identifiers: MedGen CN230736.

Allele frequency attached by ClinVar (database versions not stated): TOPMed 0.00001.
gnomAD v4.1: 5 of 1,613,248 alleles (0.00031%); highest among the groups gnomAD compares: Admixed American, 0.0033%; no homozygotes.

Submissions (3):

GeneDx
Classification: Uncertain significance. Last evaluated: 2023-02-09. Review status: criteria provided, single submitter. Criteria: GeneDx Variant Classification Process June 2021. Collection method: clinical testing. Allele origin: germline. Affected: yes.
Comment: Not observed at significant frequency in large population cohorts (gnomAD); In silico analysis supports that this missense variant does not alter protein structure/function; Has not been previously published as pathogenic or benign to our knowledge

Labcorp Genetics (formerly Invitae), Labcorp
Classification: Uncertain significance. Last evaluated: 2022-06-17. Review status: criteria provided, single submitter. Criteria: Invitae Variant Classification Sherloc (09022015). Collection method: clinical testing. Allele origin: germline.
Comment: This sequence change replaces methionine, which is neutral and non-polar, with threonine, which is neutral and polar, at codon 621 of the PRDM5 protein (p.Met621Thr). This variant is present in population databases (no rsID available, gnomAD 0.003%). This variant has not been reported in the literature in individuals affected with PRDM5-related conditions. Algorithms developed to predict the effect of missense changes on protein structure and function are either unavailable or do not agree on the potential impact of this missense change (SIFT: "Deleterious"; PolyPhen-2: "Probably Damaging"; Align-GVGD: "Class C0"). In summary, the available evidence is currently insufficient to determine the role of this variant in disease. Therefore, it has been classified as a Variant of Uncertain Significance.

Ambry Genetics
Classification: Uncertain significance for Cardiovascular phenotype. Last evaluated: 2022-04-20. Review status: criteria provided, single submitter. Criteria: Ambry Variant Classification Scheme 2023. Collection method: clinical testing. Allele origin: germline.
Comment: The p.M621T variant (also known as c.1862T>C), located in coding exon 16 of the PRDM5 gene, results from a T to C substitution at nucleotide position 1862. The methionine at codon 621 is replaced by threonine, an amino acid with similar properties. This amino acid position is conserved. In addition, the in silico prediction for this alteration is inconclusive. Since supporting evidence is limited at this time, the clinical significance of this alteration remains unclear.

NM_018699.4(PRDM5):c.1862T>C (p.Met621Thr)

Gene: PRDM5 (PR/SET domain 5; minus strand). Cytogenetic location: 4q27.
Variant type: single nucleotide variant.
Coding change: c.1862T>C on transcript NM_018699.4 (MANE Select); coding-DNA position 1862, T replaced by C.
Protein change: p.Met621Thr; replaces methionine 621 with threonine.
Molecular consequence: missense variant. On other transcripts: 3 prime UTR variant (1).
Genome position (GRCh38, 1-based): chr4:120,695,142, A>G on the plus strand (T>C on the coding strand, the complement: PRDM5 is on the minus strand). VCF-style: chr4-120695142-A-G. GRCh37 (hg19) VCF-style: chr4-121616297-A-G.
Other names: c.1769T>C, p.Met590Thr (NM_001300823.2); c.*177T>C (NM_001300824.2); c.1895T>C, p.Met632Thr (NM_001379104.1); c.1664T>C, p.Met555Thr (NM_001379106.1); short protein forms M632T, M555T, M590T, M621T.
Identifiers: ClinVar variation 1781532 (VCV001781532.5), dbSNP rs970486399, ClinGen allele CA105108084.
Genomic context (GRCh38, chr4:120,695,142, plus strand): 5'-TGAATAGTTTAATTCCTTTACAGCCCCTATTAGCTGTCAGCTACACCATGGATATTGTCC[A>G]TGTGCACTTTGAGGTAGTCATTCCTTGTAAACTTCTTATGGCAAAACTGGCATTCTGCCA-3'
Protein context (NP_061169.2, residues 611-630): FTRNDYLKVH[Met621Thr]DNIHGVADS